The following is an entry in ClinVar:

NM_001401501.2(MUC16):c.38229_38230insACC (p.Gly12743_Ser12744insThr)

Gene: MUC16 (mucin 16, cell surface associated; minus strand). Cytogenetic location: 19p13.2.
Variant type: Insertion.
Coding change: c.38229_38230insACC on transcript NM_001401501.2 (MANE Select); coding-DNA positions 38229 to 38230, ACC inserted.
Protein change: p.Gly12743_Ser12744insThr.
Genome position: GRCh38 VCF-style: chr19-8906017-A-AGGT. GRCh37 (hg19) VCF-style: chr19-9016693-A-AGGT.
Other names: c.38655_38656insACC, p.Gly12885_Ser12886insThr (NM_001414686.1); c.38109_38110insACC, p.Gly12703_Ser12704insThr (NM_001414687.1); c.38043_38044insACC, p.Gly12681_Ser12682insThr (NM_024690.2).
Identifiers: ClinVar variation 3038289 (VCV003038289.2), dbSNP rs202231347, ClinGen allele CA9164787.
Genomic context (GRCh38, chr19:8,906,017, plus strand): 5'-ATACAGATACCATTGGCTGGTACTTACTTGTGGGGCTGGGGAGGGAGGATGGAGTCCCTG[A>AGGT]CCCAAGGTCCACTGTGGAGGTCCCAGGAGCTGAAAAAAGTCCTCATCAGTGAAAGCAGAA-3'

ClinVar aggregate classification (germline): Benign (0 of 4 stars; one submission).

Conditions:
MUC16-related disorder. Also called: MUC16-related condition.

Allele frequency attached by ClinVar (database versions not stated): gnomAD exomes 0.00235; ExAC 0.00530; ESP Exome Variant Server 0.02131; gnomAD 0.02396; TOPMed 0.02766; 1000 Genomes Project 0.03355; 1000 Genomes Project 30x 0.03560.

Submission:

PreventionGenetics, part of Exact Sciences
Classification: Benign for MUC16-related condition. Last evaluated: 2019-05-01. Review status: no assertion criteria provided. Collection method: clinical testing. Allele origin: germline.
Comment: This variant is classified as benign based on ACMG/AMP sequence variant interpretation guidelines (Richards et al. 2015 PMID: 25741868, with internal and published modifications).